The following is an entry in ClinVar:

NM_032119.4(ADGRV1):c.8954G>A (p.Ser2985Asn)

Gene: ADGRV1 (adhesion G protein-coupled receptor V1; plus strand). Cytogenetic location: 5q14.3.
Variant type: single nucleotide variant.
Coding change: c.8954G>A on transcript NM_032119.4 (MANE Select); coding-DNA position 8954, G replaced by A.
Protein change: p.Ser2985Asn; replaces serine 2985 with asparagine.
Molecular consequence: missense variant. On other transcripts: non-coding transcript variant (1).
Genome position (GRCh38, 1-based): chr5:90,711,234, G>A. VCF-style: chr5-90711234-G-A. GRCh37 (hg19) VCF-style: chr5-90007051-G-A.
Other names: short protein forms S2985N.
Identifiers: ClinVar variation 1501596 (VCV001501596.7), dbSNP rs1749310477, ClinGen allele CA360395727.
Genomic context (GRCh38, chr5:90,711,234, plus strand): 5'-TATATTATAGGTTTGAAGTAAATGAAACCCATGGAAGTTTAACATTGGTAGCCCAGAGGA[G>A]CAGAGAACCTCTTGGCCATGTTTCCTTATTTGTGTATGCTCAGAATTTGGAAGCACAAGT-3'
Protein context (NP_115495.3, residues 2975-2995): HGSLTLVAQR[Ser2985Asn]REPLGHVSLF

ClinVar aggregate classification (germline): Uncertain significance (1 of 4 stars; one submission).

Allele frequency attached by ClinVar (database versions not stated): TOPMed below 0.00001.

Submission:

Labcorp Genetics (formerly Invitae), Labcorp
Classification: Uncertain significance. Last evaluated: 2021-04-05. Review status: criteria provided, single submitter. Criteria: Invitae Variant Classification Sherloc (09022015). Collection method: clinical testing. Allele origin: germline.
Comment: This sequence change replaces serine with asparagine at codon 2985 of the ADGRV1 protein (p.Ser2985Asn). The serine residue is weakly conserved and there is a small physicochemical difference between serine and asparagine. This variant is not present in population databases (ExAC no frequency). This variant has not been reported in the literature in individuals with ADGRV1-related conditions. Algorithms developed to predict the effect of missense changes on protein structure and function output the following: SIFT: "Tolerated"; PolyPhen-2: "Benign"; Align-GVGD: "Class C0". The asparagine amino acid residue is found in multiple mammalian species, suggesting that this missense change does not adversely affect protein function. These predictions have not been confirmed by published functional studies and their clinical significance is uncertain. In summary, the available evidence is currently insufficient to determine the role of this variant in disease. Therefore, it has been classified as a Variant of Uncertain Significance.